The following is an entry in ClinVar:

NM_016341.4(PLCE1):c.296C>T (p.Ala99Val)

Gene: PLCE1 (phospholipase C epsilon 1; plus strand). Cytogenetic location: 10q23.33.
Variant type: single nucleotide variant.
Coding change: c.296C>T on transcript NM_016341.4 (MANE Select); coding-DNA position 296, C replaced by T.
Protein change: p.Ala99Val; replaces alanine 99 with valine.
Molecular consequence: missense variant.
Genome position (GRCh38, 1-based): chr10:94,031,342, C>T. VCF-style: chr10-94031342-C-T. GRCh37 (hg19) VCF-style: chr10-95791099-C-T.
Other names: c.296C>T, p.Ala99Val (NM_001288989.2); short protein forms A99V.
Identifiers: ClinVar variation 301681 (VCV000301681.8), dbSNP rs761055810, ClinGen allele CA5612107.

ClinVar aggregate classification (germline): Uncertain significance. Review status: criteria provided, multiple submitters, no conflicts (2 of 4 stars). 2 submissions from 2 submitters: Uncertain significance (2). Last evaluated 2023-05-08.

Conditions:
Nephrotic syndrome, type 3 (NPHS3). Also called: NEPHROTIC SYNDROME, EARLY-ONSET, TYPE 3. Identifiers: Orphanet 656, MedGen C1853124, MONDO:0012546, OMIM 610725.

Allele frequency attached by ClinVar (database versions not stated): gnomAD exomes 0.00008 and 0.00010; ExAC 0.00017; TOPMed 0.00005; gnomAD 0.00006 and 0.00007.
gnomAD v4.1: 133 of 1,613,606 alleles (0.0082%); highest among the groups gnomAD compares: Non-Finnish European, 0.0093%; no homozygotes.

Submissions (2):

Labcorp Genetics (formerly Invitae), Labcorp
Classification: Uncertain significance. Last evaluated: 2023-05-08. Review status: criteria provided, single submitter. Criteria: Invitae Variant Classification Sherloc (09022015). Collection method: clinical testing. Allele origin: germline.
Comment: ClinVar contains an entry for this variant (Variation ID: 301681). This sequence change replaces alanine, which is neutral and non-polar, with valine, which is neutral and non-polar, at codon 99 of the PLCE1 protein (p.Ala99Val). This variant is present in population databases (rs761055810, gnomAD 0.02%). This variant has not been reported in the literature in individuals affected with PLCE1-related conditions. Algorithms developed to predict the effect of missense changes on protein structure and function output the following: SIFT: "Not Available"; PolyPhen-2: "Benign"; Align-GVGD: "Not Available". The valine amino acid residue is found in multiple mammalian species, which suggests that this missense change does not adversely affect protein function. In summary, the available evidence is currently insufficient to determine the role of this variant in disease. Therefore, it has been classified as a Variant of Uncertain Significance.

Illumina Laboratory Services, Illumina
Classification: Uncertain significance for Nephrotic syndrome, type 3. Last evaluated: 2018-01-12. Review status: criteria provided, single submitter. Criteria: ICSL Variant Classification Criteria 13 December 2019. Collection method: clinical testing. Allele origin: germline.